The following is an entry in ClinVar:

ClinVar aggregate classification (germline): Uncertain significance (1 of 4 stars; one submission).

Submission:

CeGaT Center for Human Genetics Tuebingen
Classification: Uncertain significance. Last evaluated: 2024-12-01. Review status: criteria provided, single submitter. Criteria: CeGaT Center For Human Genetics Tuebingen Variant Classification Criteria Version 2. Collection method: clinical testing. Allele origin: germline. Affected: yes. Observed: 1 variant allele.
Comment: AKT3: PM2, PP2

NM_005465.7(AKT3):c.974G>A (p.Arg325Gln)

Gene: AKT3 (AKT serine/threonine kinase 3; minus strand). Cytogenetic location: 1q44.
Variant type: single nucleotide variant.
Coding change: c.974G>A on transcript NM_005465.7 (MANE Select); coding-DNA position 974, G replaced by A.
Protein change: p.Arg325Gln; replaces arginine 325 with glutamine.
Molecular consequence: missense variant.
Genome position (GRCh38, 1-based): chr1:243,552,918, C>T on the plus strand (G>A on the coding strand, the complement: AKT3 is on the minus strand). VCF-style: chr1-243552918-C-T. GRCh37 (hg19) VCF-style: chr1-243716220-C-T.
Other names: c.974G>A, p.Arg325Gln (NM_001206729.2, NM_001370074.1, NM_181690.2); short protein forms R325Q.
Identifiers: ClinVar variation 3772106 (VCV003772106.13).